The following is an entry in ClinVar:

NM_025179.4(PLXNA2):c.1489G>A (p.Val497Ile)

Gene: PLXNA2 (plexin A2; minus strand). Cytogenetic location: 1q32.2.
Variant type: single nucleotide variant.
Coding change: c.1489G>A on transcript NM_025179.4 (MANE Select); coding-DNA position 1489, G replaced by A.
Protein change: p.Val497Ile; replaces valine 497 with isoleucine.
Molecular consequence: missense variant.
Genome position (GRCh38, 1-based): chr1:208,142,346, C>T on the plus strand (G>A on the coding strand, the complement: PLXNA2 is on the minus strand). VCF-style: chr1-208142346-C-T. GRCh37 (hg19) VCF-style: chr1-208315691-C-T.
Other names: c.1489G>A (NM_025179.3); short protein forms V497I.
Identifiers: ClinVar variation 2081576 (VCV002081576.8), dbSNP rs777356335, ClinGen allele CA1373834.

ClinVar aggregate classification (germline): Conflicting classifications of pathogenicity. Review status: criteria provided, conflicting classifications (1 of 4 stars). 3 submissions from 3 submitters: Uncertain significance (2); Likely benign (1). Last evaluated 2026-03-19.

Conditions:
PLXNA2-related disorder. Also called: PLXNA2-related condition.

Allele frequency attached by ClinVar (database versions not stated): ExAC 0.00001; gnomAD 0.00004; TOPMed 0.00004.

Submissions (3):

PreventionGenetics, part of Exact Sciences
Classification: Uncertain significance for PLXNA2-related condition. Last evaluated: 2026-03-19. Review status: criteria provided, single submitter. Criteria: ACMG Guidelines, 2015. Collection method: clinical testing. Allele origin: germline.
Comment: The PLXNA2 c.1489G>A variant is predicted to result in the amino acid substitution p.Val497Ile. To our knowledge, this variant has not been reported in the literature. This variant is reported in 0.010% of alleles in individuals of East Asian descent in gnomAD. At this time, the clinical significance of this variant is uncertain due to the absence of conclusive functional and genetic evidence.

Ambry Genetics
Classification: Likely benign. Last evaluated: 2025-08-03. Review status: criteria provided, single submitter. Criteria: Ambry Variant Classification Scheme 2023. Collection method: clinical testing. Allele origin: germline.

Labcorp Genetics (formerly Invitae), Labcorp
Classification: Uncertain significance. Last evaluated: 2022-11-06. Review status: criteria provided, single submitter. Criteria: Invitae Variant Classification Sherloc (09022015). Collection method: clinical testing. Allele origin: germline.
Comment: This sequence change replaces valine, which is neutral and non-polar, with isoleucine, which is neutral and non-polar, at codon 497 of the PLXNA2 protein (p.Val497Ile). In summary, the available evidence is currently insufficient to determine the role of this variant in disease. Therefore, it has been classified as a Variant of Uncertain Significance. Advanced modeling of protein sequence and biophysical properties (such as structural, functional, and spatial information, amino acid conservation, physicochemical variation, residue mobility, and thermodynamic stability) performed at Invitae indicates that this missense variant is not expected to disrupt PLXNA2 protein function. This variant has not been reported in the literature in individuals affected with PLXNA2-related conditions. This variant is present in population databases (rs777356335, gnomAD 0.01%).